The following is an entry in ClinVar:

ClinVar aggregate classification (germline): Likely benign (1 of 4 stars; one submission).

Submissions (2):

CeGaT Center for Human Genetics Tuebingen
Classification: Likely benign. Last evaluated: 2026-01-01. Review status: criteria provided, single submitter. Criteria: CeGaT Center For Human Genetics Tuebingen Variant Classification Criteria Version 2. Collection method: clinical testing. Allele origin: germline. Affected: yes. Observed: 1 variant allele.
Comment: CAMSAP1: BP4, BS1

Dr. Peter K. Rogan Lab, Western University
No classification provided (evidence only). Condition: Familial cancer of breast. Review status: no classification provided. Collection method: in vitro. Allele origin: not applicable. Functional consequence: retained intron. Not counted in ClinVar's aggregate classification.

NM_015447.4(CAMSAP1):c.1400+5G>A

Gene: CAMSAP1 (calmodulin regulated spectrin associated protein 1; minus strand). Cytogenetic location: 9q34.3.
Variant type: single nucleotide variant.
Coding change: c.1400+5G>A on transcript NM_015447.4 (MANE Select); 5 bases into the intron after coding-DNA position 1400, G replaced by A.
Molecular consequence: intron variant.
Genome position (GRCh38, 1-based): chr9:135,823,945, C>T on the plus strand (G>A on the coding strand, the complement: CAMSAP1 is on the minus strand). VCF-style: chr9-135823945-C-T. GRCh37 (hg19) VCF-style: chr9-138715791-C-T.
Other names: NC_000009.11:g.138715791C>T; c.803+5G>A (NM_001437281.1); c.968+5G>A (NM_001437280.1); c.566+5G>A (NM_001411031.1); c.1433+5G>A (NM_001437279.1).
Identifiers: ClinVar variation 4353993 (VCV004353993.5).